The following is an entry in ClinVar:

NM_000384.3(APOB):c.10003G>C (p.Gly3335Arg)

Gene: APOB (apolipoprotein B; minus strand). Cytogenetic location: 2p24.1.
Variant type: single nucleotide variant.
Coding change: c.10003G>C on transcript NM_000384.3 (MANE Select); coding-DNA position 10003, G replaced by C.
Protein change: p.Gly3335Arg; replaces glycine 3335 with arginine.
Molecular consequence: missense variant.
Genome position (GRCh38, 1-based): chr2:21,006,865, C>G on the plus strand (G>C on the coding strand, the complement: APOB is on the minus strand). VCF-style: chr2-21006865-C-G. GRCh37 (hg19) VCF-style: chr2-21229737-C-G.
Other names: short protein forms G3335R.
Identifiers: ClinVar variation 1727636 (VCV001727636.6), dbSNP rs370858591, ClinGen allele CA042078.

ClinVar aggregate classification (germline): Uncertain significance. Review status: criteria provided, multiple submitters, no conflicts (2 of 4 stars). 4 submissions from 4 submitters: Uncertain significance (4). Last evaluated 2025-04-07.

Conditions:
Familial hypobetalipoproteinemia 1. Also called: APOB-Related Familial Hypobetalipoproteinemia; Hypobetalipoproteinemia, normotriglyceridemic; Acanthocytosis with hypobetalipoproteinemia. Identifiers: MedGen C4551990, MONDO:0014252, OMIM 615558.
Hypercholesterolemia, autosomal dominant, type B (FHCL2). Also called: Hyperlipoproteinemia Type IIb; Familial hypercholesterolemia 2; Familial Hypercholesterolemia Type B; APOLIPOPROTEIN B-100, FAMILIAL DEFECTIVE; APOLIPOPROTEIN B-100, FAMILIAL LIGAND-DEFECTIVE; HYPERCHOLESTEROLEMIA, FAMILIAL, DUE TO LIGAND-DEFECTIVE APOLIPOPROTEIN B. Identifiers: MedGen C1704417, MONDO:0007751, OMIM 144010.
Cardiovascular phenotype. Identifiers: MedGen CN230736.

Allele frequency attached by ClinVar (database versions not stated): ExAC 0.00001; gnomAD 0.00001; gnomAD exomes 0.00001; TOPMed 0.00001; ESP Exome Variant Server 0.00008.
gnomAD v4.1: 23 of 1,613,860 alleles (0.0014%); highest among the groups gnomAD compares: Non-Finnish European, 0.0018%; no homozygotes.

Submissions (4):

Quest Diagnostics Nichols Institute San Juan Capistrano
Classification: Uncertain significance. Last evaluated: 2025-04-07. Review status: criteria provided, single submitter. Criteria: Quest Diagnostics criteria. Collection method: clinical testing. Allele origin: unknown.
Comment: The APOB c.10003G>C (p.Gly3335Arg) variant has not been reported in individuals with APOB-related conditions in the published literature. The frequency of this variant in the general population (Genome Aggregation Database) is uninformative in the assessment of its pathogenicity. Analysis of this variant using bioinformatics tools for the prediction of the effect of amino acid changes on protein structure and function yielded predictions that this variant is damaging. Based on the available information, we are unable to determine the clinical significance of this variant.

GeneDx
Classification: Uncertain significance. Last evaluated: 2025-02-07. Review status: criteria provided, single submitter. Criteria: GeneDx Variant Classification Process June 2021. Collection method: clinical testing. Allele origin: germline. Affected: yes.
Comment: Not observed at significant frequency in large population cohorts (gnomAD); In silico analysis supports that this missense variant has a deleterious effect on protein structure/function; Has not been previously published as pathogenic or benign to our knowledge

Ambry Genetics
Classification: Uncertain significance for Cardiovascular phenotype. Last evaluated: 2024-11-30. Review status: criteria provided, single submitter. Criteria: Ambry Variant Classification Scheme 2023. Collection method: clinical testing. Allele origin: germline.
Comment: The p.G3335R variant (also known as c.10003G>C), located in coding exon 26 of the APOB gene, results from a G to C substitution at nucleotide position 10003. The glycine at codon 3335 is replaced by arginine, an amino acid with dissimilar properties. This amino acid position is conserved. In addition, this alteration is predicted to be tolerated by in silico analysis. Since supporting evidence is limited at this time, the clinical significance of this alteration remains unclear.

Labcorp Genetics (formerly Invitae), Labcorp
Classification: Uncertain significance for Familial hypobetalipoproteinemia 1; Hypercholesterolemia, autosomal dominant, type B. Last evaluated: 2022-11-15. Review status: criteria provided, single submitter. Criteria: Invitae Variant Classification Sherloc (09022015). Collection method: clinical testing. Allele origin: germline.
Comment: In summary, the available evidence is currently insufficient to determine the role of this variant in disease. Therefore, it has been classified as a Variant of Uncertain Significance. Advanced modeling of protein sequence and biophysical properties (such as structural, functional, and spatial information, amino acid conservation, physicochemical variation, residue mobility, and thermodynamic stability) has been performed at Invitae for this missense variant, however the output from this modeling did not meet the statistical confidence thresholds required to predict the impact of this variant on APOB protein function. This variant has not been reported in the literature in individuals affected with APOB-related conditions. This variant is present in population databases (rs370858591, gnomAD 0.004%). This sequence change replaces glycine, which is neutral and non-polar, with arginine, which is basic and polar, at codon 3335 of the APOB protein (p.Gly3335Arg).